The following is an entry in ClinVar:

ClinVar aggregate classification (germline): Benign/Likely benign. Review status: criteria provided, multiple submitters, no conflicts (2 of 4 stars). 3 submissions from 3 submitters: Benign (1); Likely benign (2). Last evaluated 2025-04-08.

Conditions:
Tuberous sclerosis 1 (TSC1). Identifiers: Orphanet 805, MedGen C1854465, MONDO:0008612, OMIM 191100.
Hereditary cancer-predisposing syndrome. Also called: Neoplastic Syndromes, Hereditary; Tumor predisposition; Hereditary Cancer Syndrome; Hereditary neoplastic syndrome. Identifiers: Orphanet 140162, MedGen C0027672, MeSH D009386, MONDO:0015356.

Allele frequency attached by ClinVar (database versions not stated): gnomAD exomes below 0.00001.
gnomAD v4.1: 2 of 1,614,232 alleles (0.00012%); highest among the groups gnomAD compares: Non-Finnish European, 0.00017%; no homozygotes.

Submissions (3):

Myriad Genetics, Inc.
Classification: Benign for Tuberous sclerosis 1. Last evaluated: 2025-04-08. Review status: criteria provided, single submitter. Criteria: Myriad Autosomal Dominant, Autosomal Recessive and X-Linked Classification Criteria (2023). Collection method: clinical testing. Allele origin: unknown.
Comment: This variant is considered benign. This variant is a silent/synonymous amino acid change and it is not expected to impact splicing.

Labcorp Genetics (formerly Invitae), Labcorp
Classification: Likely benign for Tuberous sclerosis 1. Last evaluated: 2025-01-30. Review status: criteria provided, single submitter. Criteria: Invitae Variant Classification Sherloc (09022015). Collection method: clinical testing. Allele origin: germline.

Ambry Genetics
Classification: Likely benign for Hereditary cancer-predisposing syndrome. Last evaluated: 2022-05-04. Review status: criteria provided, single submitter. Criteria: Ambry Variant Classification Scheme 2023. Collection method: clinical testing. Allele origin: germline.

NM_000368.5(TSC1):c.318G>A (p.Lys106=)

Gene: TSC1 (TSC complex subunit 1; minus strand). Cytogenetic location: 9q34.13.
Variant type: single nucleotide variant.
Coding change: c.318G>A on transcript NM_000368.5 (MANE Select); coding-DNA position 318, G replaced by A.
Protein change: p.Lys106=; no amino-acid change (lysine 106 retained).
Molecular consequence: synonymous variant. On other transcripts: 5 prime UTR variant (18), non-coding transcript variant (5), intron variant (5).
Genome position (GRCh38, 1-based): chr9:132,925,632, C>T on the plus strand (G>A on the coding strand, the complement: TSC1 is on the minus strand). VCF-style: chr9-132925632-C-T. GRCh37 (hg19) VCF-style: chr9-135801019-C-T.
Other names: c.318G>A, p.Lys106= (NM_001406601.1, NM_001406602.1, NM_001406603.1 and 16 more transcripts); c.-138G>A (NM_001406614.1, NM_001406616.1, NM_001406624.1); c.-171G>A (NM_001406615.1, NM_001406623.1); c.-46G>A (NM_001406617.1, NM_001406618.1, NM_001406619.1 and 5 more transcripts); c.-560G>A (NM_001406626.1, NM_001406627.1, NM_001406628.1); c.-702G>A (NM_001406629.1); c.-776G>A (NM_001406630.1); c.210+1569G>A (NM_001406613.1, NM_001406612.1, NM_001406610.1 and 2 more transcripts).
Identifiers: ClinVar variation 1728641 (VCV001728641.6), dbSNP rs2132232268, ClinGen allele CA467594153.